The following is an entry in ClinVar:

ClinVar aggregate classification (germline): Pathogenic (1 of 4 stars; one submission).

Conditions:
Hereditary breast ovarian cancer syndrome. Also called: Hereditary breast and ovarian cancer syndrome; Hereditary breast and/or ovarian cancer syndrome; Hereditary breast and ovarian cancer; Hereditary breast and ovarian cancer syndrome (HBOC); Breast and ovarian cancer; BRCA1- and BRCA2-Associated Hereditary Breast and Ovarian Cancer. Identifiers: Orphanet 145, MedGen C0677776, MeSH D061325, MONDO:0003582. Disease mechanism: loss of function.

Submission:

Labcorp Genetics (formerly Invitae), Labcorp
Classification: Pathogenic for Hereditary breast ovarian cancer syndrome. Last evaluated: 2024-12-08. Review status: criteria provided, single submitter. Criteria: Invitae Variant Classification Sherloc (09022015). Collection method: clinical testing. Allele origin: germline.
Comment: This sequence change creates a premature translational stop signal (p.Gln895Alafs*8) in the BRCA1 gene. It is expected to result in an absent or disrupted protein product. Loss-of-function variants in BRCA1 are known to be pathogenic (PMID: 20104584). This variant is not present in population databases (gnomAD no frequency). This variant has not been reported in the literature in individuals affected with BRCA1-related conditions. For these reasons, this variant has been classified as Pathogenic.

Literature cited by the submitters: PubMed 20104584.

NM_007294.4(BRCA1):c.2682_2683insG (p.Gln895fs)

Gene: BRCA1 (BRCA1 DNA repair associated; minus strand). Cytogenetic location: 17q21.31.
Variant type: Insertion.
Coding change: c.2682_2683insG on transcript NM_007294.4 (MANE Select); coding-DNA positions 2682 to 2683, G inserted.
Protein change: p.Gln895fs; shifts the reading frame from glutamine 895.
Molecular consequence: frameshift variant. On other transcripts: intron variant (137).
Genome position: GRCh38 VCF-style: chr17-43092848-G-GC. GRCh37 (hg19) VCF-style: chr17-41244865-G-GC.
Other names: c.647-1817_647-1816insG (NM_001408456.1, NM_001408467.1, NM_001408459.1 and 11 more transcripts); c.2349_2350insG, p.Gln784fs (NM_001407951.1, NM_001407952.1, NM_001407953.1 and 6 more transcripts); c.644-1817_644-1816insG (NM_001408465.1, NM_001408463.1, NM_001408464.1 and 3 more transcripts); c.578-1817_578-1816insG (NM_001408482.1, NM_001408484.1, NM_001408478.1 and 9 more transcripts); c.521-1817_521-1816insG (NM_001408504.1, NM_001408503.1, NM_001408505.1); c.524-1817_524-1816insG (NM_001408499.1, NM_001408498.1, NM_001408501.1 and 3 more transcripts); c.2346_2347insG, p.Gln783fs (NM_001407954.1, NM_001407955.1, NM_001407956.1 and 1 more transcripts); c.671-1817_671-1816insG (NM_001408422.1, NM_001408423.1, NM_001408420.1 and 2 more transcripts); and 41 more; short protein forms Q599fs, Q767fs, Q784fs, Q825fs, Q854fs, Q895fs, Q727fs, Q768fs.
Identifiers: ClinVar variation 3726840 (VCV003726840.2).
Genomic context (GRCh38, chr17:43,092,848, plus strand): 5'-ACTCATTCTTTCCTTGATTTTCTTCCTTTTGTTCACATTCAAAAGTGACTTTTGGACTTT[G>GC]TTTCTTTAAGGACCCAGAGTGGGCAGAGAATGTTGCACATTCCTCTTCTGCATTTCCTGG-3'